The following is an entry in ClinVar:

NM_024334.3(TMEM43):c.545C>T (p.Ala182Val)

Gene: TMEM43 (transmembrane protein 43; plus strand). Cytogenetic location: 3p25.1.
Variant type: single nucleotide variant.
Coding change: c.545C>T on transcript NM_024334.3 (MANE Select); coding-DNA position 545, C replaced by T.
Protein change: p.Ala182Val; replaces alanine 182 with valine.
Molecular consequence: missense variant.
Genome position (GRCh38, 1-based): chr3:14,133,771, C>T. VCF-style: chr3-14133771-C-T. GRCh37 (hg19) VCF-style: chr3-14175271-C-T.
Other names: short protein forms A182V.
Identifiers: ClinVar variation 571981 (VCV000571981.11), dbSNP rs1394010451, ClinGen allele CA351535334.

ClinVar aggregate classification (germline): Uncertain significance. Review status: criteria provided, multiple submitters, no conflicts (2 of 4 stars). 2 submissions from 2 submitters: Uncertain significance (2). Last evaluated 2025-06-24.

Conditions:
Arrhythmogenic right ventricular dysplasia 5. Also called: ARRHYTHMOGENIC RIGHT VENTRICULAR DYSPLASIA, FAMILIAL, 5; Arrhythmogenic Right Ventricular Dysplasia/Cardiomyopathy 5. Identifiers: MedGen C1858379, MONDO:0011459, OMIM 604400.
Cardiovascular phenotype. Identifiers: MedGen CN230736.

Allele frequency attached by ClinVar (database versions not stated): gnomAD exomes below 0.00001.

Submissions (2):

Ambry Genetics
Classification: Uncertain significance for Cardiovascular phenotype. Last evaluated: 2025-06-24. Review status: criteria provided, single submitter. Criteria: Ambry Variant Classification Scheme 2023. Collection method: clinical testing. Allele origin: germline.
Comment: The p.A182V variant (also known as c.545C>T), located in coding exon 7 of the TMEM43 gene, results from a C to T substitution at nucleotide position 545. The alanine at codon 182 is replaced by valine, an amino acid with similar properties. This amino acid position is well conserved in available vertebrate species. In addition, the in silico prediction for this alteration is inconclusive. Since supporting evidence is limited at this time, the clinical significance of this alteration remains unclear.

Labcorp Genetics (formerly Invitae), Labcorp
Classification: Uncertain significance for Arrhythmogenic right ventricular dysplasia 5. Last evaluated: 2025-06-22. Review status: criteria provided, single submitter. Criteria: Invitae Variant Classification Sherloc (09022015). Collection method: clinical testing. Allele origin: germline.
Comment: This sequence change replaces alanine, which is neutral and non-polar, with valine, which is neutral and non-polar, at codon 182 of the TMEM43 protein (p.Ala182Val). This variant is present in population databases (no rsID available, gnomAD 0.0009%). This variant has not been reported in the literature in individuals affected with TMEM43-related conditions. ClinVar contains an entry for this variant (Variation ID: 571981). Invitae Evidence Modeling of protein sequence and biophysical properties (such as structural, functional, and spatial information, amino acid conservation, physicochemical variation, residue mobility, and thermodynamic stability) indicates that this missense variant is not expected to disrupt TMEM43 protein function with a negative predictive value of 80%. In summary, the available evidence is currently insufficient to determine the role of this variant in disease. Therefore, it has been classified as a Variant of Uncertain Significance.